The following is an entry in ClinVar:

ClinVar aggregate classification (germline): Uncertain significance. Review status: criteria provided, multiple submitters, no conflicts (2 of 4 stars). 3 submissions from 3 submitters: Uncertain significance (3). Last evaluated 2025-09-19.

Conditions:
Facial dysmorphism-immunodeficiency-livedo-short stature syndrome. Also called: FILS syndrome; Facial dysmorphism, immunodeficiency, livedo, and short stature. Identifiers: Orphanet 352712, MedGen C3554576, MONDO:0014058, OMIM 615139.
Intrauterine growth retardation, metaphyseal dysplasia, adrenal hypoplasia congenita, genital anomalies, and immunodeficiency. Also called: IMAGEI SYNDROME. Identifiers: MedGen C5193036, MONDO:0032684, OMIM 618336.
Colorectal cancer, susceptibility to, 12 (CRCS12). Also called: COLORECTAL CANCER, SUSCEPTIBILITY TO, ON CHROMOSOME 12q24. Identifiers: Orphanet 220460, MedGen C3554460, MONDO:0014038, OMIM 615083.
Hereditary cancer-predisposing syndrome. Also called: Tumor predisposition; Hereditary neoplastic syndrome; Neoplastic Syndromes, Hereditary; Hereditary Cancer Syndrome. Identifiers: Orphanet 140162, MedGen C0027672, MeSH D009386, MONDO:0015356.

Allele frequency attached by ClinVar (database versions not stated): gnomAD exomes 0.00001; ExAC 0.00002.

Submissions (3):

Labcorp Genetics (formerly Invitae), Labcorp
Classification: Uncertain significance. Last evaluated: 2025-09-19. Review status: criteria provided, single submitter. Criteria: Invitae Variant Classification Sherloc (09022015). Collection method: clinical testing. Allele origin: germline.
Comment: This sequence change replaces arginine, which is basic and polar, with tryptophan, which is neutral and slightly polar, at codon 559 of the POLE protein (p.Arg559Trp). This variant is present in population databases (rs753784391, gnomAD 0.003%). This variant has not been reported in the literature in individuals affected with POLE-related conditions. ClinVar contains an entry for this variant (Variation ID: 862453). Invitae Evidence Modeling of protein sequence and biophysical properties (such as structural, functional, and spatial information, amino acid conservation, physicochemical variation, residue mobility, and thermodynamic stability) has been performed for this missense variant. However, the output from this modeling did not meet the statistical confidence thresholds required to predict the impact of this variant on POLE protein function. In summary, the available evidence is currently insufficient to determine the role of this variant in disease. Therefore, it has been classified as a Variant of Uncertain Significance.

Ambry Genetics
Classification: Uncertain significance for Hereditary cancer-predisposing syndrome. Last evaluated: 2025-01-03. Review status: criteria provided, single submitter. Criteria: Ambry Variant Classification Scheme 2023. Collection method: clinical testing. Allele origin: germline.
Comment: The p.R559W variant (also known as c.1675C>T), located in coding exon 15 of the POLE gene, results from a C to T substitution at nucleotide position 1675. The arginine at codon 559 is replaced by tryptophan, an amino acid with dissimilar properties. This amino acid position is highly conserved in available vertebrate species. In addition, the in silico prediction for this alteration is inconclusive. Based on the available evidence, the clinical significance of this variant remains unclear.

Department of Pathology and Laboratory Medicine, Sinai Health System
Classification: Uncertain significance for Colorectal cancer, susceptibility to, 12; Facial dysmorphism-immunodeficiency-livedo-short stature syndrome; Intrauterine growth retardation, metaphyseal dysplasia, adrenal hypoplasia congenita, genital anomalies, and immunodeficiency. Last evaluated: 2024-09-17. Review status: criteria provided, single submitter. Criteria: ACMG Guidelines, 2015. Collection method: clinical testing. Allele origin: germline.

NM_006231.4(POLE):c.1675C>T (p.Arg559Trp)

Gene: POLE (DNA polymerase epsilon, catalytic subunit; minus strand). Cytogenetic location: 12q24.33.
Variant type: single nucleotide variant.
Coding change: c.1675C>T on transcript NM_006231.4 (MANE Select); coding-DNA position 1675, C replaced by T.
Protein change: p.Arg559Trp; replaces arginine 559 with tryptophan.
Molecular consequence: missense variant.
Genome position (GRCh38, 1-based): chr12:132,672,638, G>A on the plus strand (C>T on the coding strand, the complement: POLE is on the minus strand). VCF-style: chr12-132672638-G-A. GRCh37 (hg19) VCF-style: chr12-133249224-G-A.
Other names: c.1675C>T (NM_006231.2); short protein forms R559W.
Identifiers: ClinVar variation 862453 (VCV000862453.8), dbSNP rs753784391, ClinGen allele CA6893888.
Genomic context (GRCh38, chr12:132,672,638, plus strand): 5'-ACCACAGCACAAGAGTGGGAAGAATCTGAATCCCAGGGAAGAAGCACACCATCCTAAACC[G>A]GCAAGGGATATCGCTGCGGAAAACCCCAGACTCGAGGGCCTCCACGTGGCCCCCGACGTA-3'
Protein context (NP_006222.2, residues 549-569): SGVFRSDIPC[Arg559Trp]FRMNPAAFDF